The following is an entry in ClinVar:

ClinVar aggregate classification (germline): Uncertain significance (1 of 4 stars; one submission).

Conditions:
Keratoconus 9. Identifiers: MedGen C4693660, MONDO:0054771, OMIM 617928.

Submission:

Juno Genomics, Hangzhou Juno Genomics, Inc
Classification: Uncertain significance for Keratoconus 9. Review status: criteria provided, single submitter. Criteria: ACMG Guidelines, 2015. Collection method: clinical testing. Allele origin: germline.
Comment: Absent from controls (or at extremely low frequency if recessive) in Genome Aggregation Database.;Missense variant in a gene that has a low rate of benign missense variation.

NM_080386.4(TUBA3D):c.92A>G (p.Gln31Arg)

Genes: MZT2A (mitotic spindle organizing protein 2A; minus strand), TUBA3D (tubulin alpha 3d; plus strand). Cytogenetic location: 2q21.1.
Variant type: single nucleotide variant.
Coding change: c.92A>G on transcript NM_080386.4 (MANE Select); coding-DNA position 92, A replaced by G.
Protein change: p.Gln31Arg; replaces glutamine 31 with arginine.
Molecular consequence: missense variant.
Genome position (GRCh38, 1-based): chr2:131,478,252, A>G. VCF-style: chr2-131478252-A-G. GRCh37 (hg19) VCF-style: chr2-132235825-A-G.
Other names: short protein forms Q31R.
Identifiers: ClinVar variation 5019196 (VCV005019196.2).
Genomic context (GRCh38, chr2:131,478,252, plus strand): 5'-AGGCGGGTGTCCAGATCGGCAATGCCTGCTGGGAACTGTACTGCCTTGAACATGGAATTC[A>G]GCCCGATGGCCAAATGCCAAGTGATAAAACCATTGGTGGCGGGGACGACTCCTTCAACAC-3'
Protein context (NP_525125.2, residues 21-41): WELYCLEHGI[Gln31Arg]PDGQMPSDKT